The following is an entry in ClinVar:

NM_000426.4(LAMA2):c.6597G>A (p.Met2199Ile)

Gene: LAMA2 (laminin subunit alpha 2; plus strand). Cytogenetic location: 6q22.33.
Variant type: single nucleotide variant.
Coding change: c.6597G>A on transcript NM_000426.4 (MANE Select); coding-DNA position 6597, G replaced by A.
Protein change: p.Met2199Ile; replaces methionine 2199 with isoleucine.
Molecular consequence: missense variant.
Genome position (GRCh38, 1-based): chr6:129,454,178, G>A. VCF-style: chr6-129454178-G-A. GRCh37 (hg19) VCF-style: chr6-129775323-G-A.
Other names: c.6597G>A, p.Met2199Ile (NM_001079823.2); short protein forms M2199I.
Identifiers: ClinVar variation 3061609 (VCV003061609.2), dbSNP rs1782836018, ClinGen allele CA365616910.

ClinVar aggregate classification (germline): Uncertain significance (0 of 4 stars; one submission).

Conditions:
LAMA2-related disorder. Also called: LAMA2-related disorders; LAMA2-related condition.

Allele frequency attached by ClinVar (database versions not stated): TOPMed below 0.00001.

Submission:

PreventionGenetics, part of Exact Sciences
Classification: Uncertain significance for LAMA2-related condition. Last evaluated: 2023-11-28. Review status: no assertion criteria provided. Collection method: clinical testing. Allele origin: germline.
Comment: The LAMA2 c.6597G>A variant is predicted to result in the amino acid substitution p.Met2199Ile. To our knowledge, this variant has not been reported in the literature or in a large population database, indicating this variant is rare. At this time, the clinical significance of this variant is uncertain due to the absence of conclusive functional and genetic evidence.